The following is an entry in ClinVar:

ClinVar aggregate classification (germline): Benign/Likely benign. Review status: criteria provided, multiple submitters, no conflicts (2 of 4 stars). 5 submissions from 5 submitters: Benign (1); Likely benign (4). Last evaluated 2026-06-01.

Conditions:
NSDHL-related disorder. Also called: NSDHL-Related Disorders; NSDHL-related condition. Identifiers: MedGen CN381535.
CK syndrome. Also called: MENTAL RETARDATION, X-LINKED, WITH THIN BODY HABITUS AND CORTICAL MALFORMATION. Identifiers: Orphanet 251383, MedGen C3151781, MONDO:0010441, OMIM 300831.
Child syndrome. Also called: CHILD (Congenital Hemidysplasia with Ichthyosiform Nevus and Limb Defects) Syndrome. Identifiers: Orphanet 139, MedGen C0265267, MONDO:0010621, OMIM 308050.

Allele frequency attached by ClinVar (database versions not stated): gnomAD exomes 0.00009 and 0.00018; gnomAD 0.00017 and 0.00020; TOPMed 0.00020; ExAC 0.00021; ESP Exome Variant Server 0.00038; 1000 Genomes Project 30x 0.00104; 1000 Genomes Project 0.00106.
gnomAD v4.1: 126 of 1,210,383 alleles (0.01%); highest among the groups gnomAD compares: African/African-American, 0.058%; no homozygotes.

Submissions (5):

CeGaT Center for Human Genetics Tuebingen
Classification: Likely benign. Last evaluated: 2026-06-01. Review status: criteria provided, single submitter. Criteria: CeGaT Center For Human Genetics Tuebingen Variant Classification Criteria Version 2. Collection method: clinical testing. Allele origin: germline. Affected: yes. Observed: 1 variant allele.
Comment: NSDHL: BP4, BP7, BS2

Labcorp Genetics (formerly Invitae), Labcorp
Classification: Benign. Last evaluated: 2025-04-19. Review status: criteria provided, single submitter. Criteria: Invitae Variant Classification Sherloc (09022015). Collection method: clinical testing. Allele origin: germline.

PreventionGenetics, part of Exact Sciences
Classification: Likely benign for NSDHL-related condition. Last evaluated: 2025-02-13. Review status: criteria provided, single submitter. Criteria: ACMG Guidelines, 2015. Collection method: clinical testing. Allele origin: germline.
Comment: This variant is classified as likely benign based on ACMG/AMP sequence variant interpretation guidelines (Richards et al. 2015 PMID: 25741868, with internal and published modifications).

Blueprint Genetics
Classification: Likely benign. Last evaluated: 2023-12-21. Review status: criteria provided, single submitter. Criteria: ACMG Guidelines, 2015. Collection method: clinical testing. Allele origin: germline.

Fulgent Genetics
Classification: Likely benign for CK syndrome; Child syndrome. Last evaluated: 2022-04-13. Review status: criteria provided, single submitter. Criteria: ACMG Guidelines, 2015. Collection method: clinical testing. Allele origin: unknown.

NM_015922.3(NSDHL):c.987C>T (p.Val329=)

Gene: NSDHL (NAD(P) dependent 3-beta-hydroxysteroid dehydrogenase NSDHL; plus strand). Cytogenetic location: Xq28.
Variant type: single nucleotide variant.
Coding change: c.987C>T on transcript NM_015922.3 (MANE Select); coding-DNA position 987, C replaced by T.
Protein change: p.Val329=; no amino-acid change (valine 329 retained).
Molecular consequence: synonymous variant.
Genome position (GRCh38, 1-based): chrX:152,868,981, C>T. VCF-style: chrX-152868981-C-T. GRCh37 (hg19) VCF-style: chrX-152037525-C-T.
Other names: c.987C>T, p.Val329= (NM_001129765.2).
Identifiers: ClinVar variation 772278 (VCV000772278.13), dbSNP rs149122192, ClinGen allele CA10544886.